The following is an entry in ClinVar:

ClinVar aggregate classification (germline): Conflicting classifications of pathogenicity. Review status: criteria provided, conflicting classifications (1 of 4 stars). 3 submissions from 3 submitters: Uncertain significance (1); Likely benign (2). Last evaluated 2024-06-13.

Conditions:
Inborn genetic diseases. Identifiers: MedGen C0950123, MeSH D030342.
Hereditary factor VIII deficiency disease (HEMA). Also called: HEMOPHILIA, CLASSIC; AUTOSOMAL HEMOPHILIA A; Hemophilia A; Hemophilia A, congenital; HEM A; Factor 8 deficiency, congenital. Identifiers: Orphanet 98878, MedGen C0019069, MONDO:0010602, OMIM 306700.

Allele frequency attached by ClinVar (database versions not stated): gnomAD exomes 0.00006 and 0.00007; TOPMed 0.00007; ExAC 0.00008; gnomAD 0.00008 and 0.00009.
gnomAD v4.1: 77 of 1,210,207 alleles (0.0064%); highest among the groups gnomAD compares: Non-Finnish European, 0.0083%; no homozygotes.

Submissions (3):

Women's Health and Genetics/Laboratory Corporation of America, LabCorp
Classification: Likely benign. Last evaluated: 2024-06-13. Review status: criteria provided, single submitter. Criteria: LabCorp Variant Classification Summary - May 2015. Collection method: clinical testing. Allele origin: germline.

Ambry Genetics
Classification: Likely benign for Inborn genetic diseases. Last evaluated: 2023-07-17. Review status: criteria provided, single submitter. Criteria: Ambry Variant Classification Scheme 2023. Collection method: clinical testing. Allele origin: germline.

ARUP Laboratories, Molecular Genetics and Genomics, ARUP Laboratories
Classification: Uncertain significance for Hereditary factor VIII deficiency disease. Last evaluated: 2021-05-01. Review status: criteria provided, single submitter. Criteria: ARUP Molecular Germline Variant Investigation Process 2021. Collection method: clinical testing. Allele origin: germline.
Comment: The F8 c.6696A>G; p.Gln2232= variant (rs201870876), to our knowledge, is not reported in the medical literature but is reported in the factor VIII gene variant database in multiple individuals with hemophilia A (see link).This variant is found in the non-Finnish European population with an allele frequency of 0.007% (13/92727 alleles, including 5 hemizygotes) in the Genome Aggregation Database. This is a synonymous variant in a weakly conserved nucleotide, and computational analyses (Alamut v.2.11) predict that this variant may impact splicing by strengthening a cryptic donor splice site. However, given the lack of clinical and functional data, the significance of the p.Gln2232= variant is uncertain at this time. References: Link to F8 database

NM_000132.4(F8):c.6696A>G (p.Gln2232=)

Gene: F8 (coagulation factor VIII; minus strand). Cytogenetic location: Xq28.
Variant type: single nucleotide variant.
Coding change: c.6696A>G on transcript NM_000132.4 (MANE Select); coding-DNA position 6696, A replaced by G.
Protein change: p.Gln2232=; no amino-acid change (glutamine 2232 retained).
Molecular consequence: synonymous variant.
Genome position (GRCh38, 1-based): chrX:154,861,745, T>C on the plus strand (A>G on the coding strand, the complement: F8 is on the minus strand). VCF-style: chrX-154861745-T-C. GRCh37 (hg19) VCF-style: chrX-154090020-T-C.
Other names: c.6696A>G (NM_000132.3); c.291A>G, p.Gln97= (NM_019863.3).
Identifiers: ClinVar variation 1330618 (VCV001330618.10), dbSNP rs201870876, ClinGen allele CA10567777.